The following is an entry in ClinVar:

ClinVar aggregate classification (germline): Uncertain significance (1 of 4 stars; one submission).

Conditions:
Inborn genetic diseases. Identifiers: MedGen C0950123, MeSH D030342.

Allele frequency attached by ClinVar (database versions not stated): ExAC 0.00002; gnomAD exomes 0.00002; TOPMed 0.00008; gnomAD 0.00009; 1000 Genomes Project 30x 0.00016; 1000 Genomes Project 0.00020; ESP Exome Variant Server 0.00023.
gnomAD v4.1: 44 of 1,614,192 alleles (0.0027%); highest among the groups gnomAD compares: African/African-American, 0.027%; no homozygotes.

Submission:

Ambry Genetics
Classification: Uncertain significance for Inborn genetic diseases. Last evaluated: 2021-07-14. Review status: criteria provided, single submitter. Criteria: Ambry Variant Classification Scheme 2023. Collection method: clinical testing. Allele origin: germline.
Comment: The c.3964+5G>A intronic alteration consists of a G to A substitution nucleotides after coding exon 29 in the NCAPD2 gene. Based on insufficient or conflicting evidence, the clinical significance of this alteration remains unclear.

NM_014865.4(NCAPD2):c.3964+5G>A

Gene: NCAPD2 (non-SMC condensin I complex subunit D2; plus strand). Cytogenetic location: 12p13.31.
Variant type: single nucleotide variant.
Coding change: c.3964+5G>A on transcript NM_014865.4 (MANE Select); 5 bases into the intron after coding-DNA position 3964, G replaced by A.
Molecular consequence: intron variant.
Genome position (GRCh38, 1-based): chr12:6,530,822, G>A. VCF-style: chr12-6530822-G-A. GRCh37 (hg19) VCF-style: chr12-6639988-G-A.
Identifiers: ClinVar variation 2232108 (VCV002232108.2), dbSNP rs368134229, ClinGen allele CA6409233.